The following is an entry in ClinVar:

ClinVar aggregate classification (germline): Benign/Likely benign. Review status: criteria provided, multiple submitters, no conflicts (2 of 4 stars). 6 submissions from 6 submitters: Benign (1); Likely benign (5). Last evaluated 2026-07-27.

Conditions:
Rhabdoid tumor predisposition syndrome 2 (RTPS2). Identifiers: Orphanet 231108, Orphanet 69077, MedGen C2750074, MONDO:0013224, OMIM 613325.
Hereditary cancer-predisposing syndrome. Also called: Tumor predisposition; Neoplastic Syndromes, Hereditary; Hereditary Cancer Syndrome; Hereditary neoplastic syndrome. Identifiers: Orphanet 140162, MedGen C0027672, MeSH D009386, MONDO:0015356.

Allele frequency attached by ClinVar (database versions not stated): gnomAD exomes 0.00002 and 0.00005; TOPMed 0.00005; ExAC below 0.00001.

Submissions (6):

Myriad Genetics, Inc.
Classification: Benign for Rhabdoid tumor predisposition syndrome 2. Last evaluated: 2026-07-27. Review status: criteria provided, single submitter. Criteria: Myriad Autosomal Dominant, Autosomal Recessive and X-Linked Classification Criteria (2023). Collection method: clinical testing. Allele origin: unknown.
Comment: This variant is considered benign. This variant is a silent/synonymous amino acid change and it is not expected to impact splicing.

Labcorp Genetics (formerly Invitae), Labcorp
Classification: Likely benign for Rhabdoid tumor predisposition syndrome 2. Last evaluated: 2025-11-12. Review status: criteria provided, single submitter. Criteria: Invitae Variant Classification Sherloc (09022015). Collection method: clinical testing. Allele origin: germline.

Blueprint Genetics
Classification: Likely benign. Last evaluated: 2024-04-29. Review status: criteria provided, single submitter. Criteria: ACMG Guidelines, 2015. Collection method: clinical testing. Allele origin: germline.

CeGaT Center for Human Genetics Tuebingen
Classification: Likely benign. Last evaluated: 2023-01-01. Review status: criteria provided, single submitter. Criteria: CeGaT Center For Human Genetics Tuebingen Variant Classification Criteria Version 2. Collection method: clinical testing. Allele origin: germline. Affected: yes. Observed: 1 variant allele.
Comment: SMARCA4: BP4, BP7

Ambry Genetics
Classification: Likely benign for Hereditary cancer-predisposing syndrome. Last evaluated: 2015-12-02. Review status: criteria provided, single submitter. Criteria: Ambry Variant Classification Scheme 2023. Collection method: clinical testing. Allele origin: germline.

Breakthrough Genomics
Classification: Likely benign. Review status: criteria provided, single submitter. Criteria: ACMG Guidelines, 2015. Collection method: not provided. Allele origin: germline. Inheritance: Autosomal dominant inheritance. Affected: yes.

NM_003072.5(SMARCA4):c.4884C>T (p.Asp1628=)

Gene: SMARCA4 (SWI/SNF related BAF chromatin remodeling complex subunit ATPase 4; plus strand). Cytogenetic location: 19p13.2.
Variant type: single nucleotide variant.
Coding change: c.4884C>T on transcript NM_003072.5 (MANE Select); coding-DNA position 4884, C replaced by T.
Protein change: p.Asp1628=; no amino-acid change (aspartic acid 1628 retained).
Molecular consequence: synonymous variant. On other transcripts: non-coding transcript variant (1).
Genome position (GRCh38, 1-based): chr19:11,060,160, C>T. VCF-style: chr19-11060160-C-T. GRCh37 (hg19) VCF-style: chr19-11170836-C-T.
Other names: c.4884C>T, p.Asp1628= (NM_001128844.3); c.4794C>T, p.Asp1598= (NM_001128845.2); c.4791C>T, p.Asp1597= (NM_001128846.2); c.4785C>T, p.Asp1595= (NM_001128847.4, NM_001374457.1); c.4782C>T, p.Asp1594= (NM_001128848.2); c.4980C>T, p.Asp1660= (NM_001128849.3, NM_001387283.1).
Identifiers: ClinVar variation 480585 (VCV000480585.42), dbSNP rs778856307, ClinGen allele CA9204893.